The following is an entry in ClinVar:

NM_004006.3(DMD):c.10798-189T>C

Gene: DMD (dystrophin; minus strand). Cytogenetic location: Xp21.2.
Variant type: single nucleotide variant.
Coding change: c.10798-189T>C on transcript NM_004006.3 (MANE Select); 189 bases into the intron before coding-DNA position 10798, T replaced by C.
Molecular consequence: intron variant.
Genome position (GRCh38, 1-based): chrX:31,146,603, A>G on the plus strand (T>C on the coding strand, the complement: DMD is on the minus strand). VCF-style: chrX-31146603-A-G. GRCh37 (hg19) VCF-style: chrX-31164720-A-G.
Other names: c.10774-189T>C (NM_000109.4); c.6775-189T>C (NM_004011.4); c.6766-189T>C (NM_004012.4); c.3088-189T>C (NM_004023.3, NM_004020.4); c.3379-189T>C (NM_004022.3); c.3418-189T>C (NM_004021.3, NM_004013.3); c.2611-189T>C (NM_004014.3); c.1555-189T>C (NM_004018.3, NM_004017.3); and 3 more.
Identifiers: ClinVar variation 675356 (VCV000675356.1), dbSNP rs59126704, ClinGen allele CA328402786.

ClinVar aggregate classification (germline): Benign (1 of 4 stars; one submission).

Allele frequency attached by ClinVar (database versions not stated): gnomAD 0.07477 and 0.07927; 1000 Genomes Project 0.08318; TOPMed 0.08682; 1000 Genomes Project 30x 0.08866.
gnomAD v4.1: 8,286 of 111,557 alleles (7.4%); highest among the groups gnomAD compares: African/African-American, 24%; 664 homozygotes.

Submission:

GeneDx
Classification: Benign. Last evaluated: 2018-06-16. Review status: criteria provided, single submitter. Criteria: GeneDx Variant Classification (06012015). Collection method: clinical testing. Allele origin: germline. Affected: yes.
Comment: This variant is considered likely benign or benign based on one or more of the following criteria: it is a conservative change, it occurs at a poorly conserved position in the protein, it is predicted to be benign by multiple in silico algorithms, and/or has population frequency not consistent with disease.